The following is an entry in ClinVar:

NM_018100.4(EFHC1):c.229C>A (p.Pro77Thr)

Gene: EFHC1 (EF-hand domain containing 1; plus strand). Cytogenetic location: 6p12.2.
Variant type: single nucleotide variant.
Coding change: c.229C>A on transcript NM_018100.4 (MANE Select); coding-DNA position 229, C replaced by A.
Protein change: p.Pro77Thr; replaces proline 77 with threonine.
Molecular consequence: missense variant. On other transcripts: non-coding transcript variant (1).
Genome position (GRCh38, 1-based): chr6:52,424,111, C>A. VCF-style: chr6-52424111-C-A. GRCh37 (hg19) VCF-style: chr6-52288909-C-A.
Other names: p.P77T:CCT>ACT; c.172C>A, p.Pro58Thr (NM_001172420.2); short protein forms P77T, P58T.
Identifiers: ClinVar variation 205400 (VCV000205400.28), dbSNP rs149055334, ClinGen allele CA314436.

ClinVar aggregate classification (germline): Benign/Likely benign. Review status: criteria provided, multiple submitters, no conflicts (2 of 4 stars). 9 submissions from 9 submitters: Benign (3); Likely benign (4). 2 of the submissions do not count toward it. Last evaluated 2025-04-14.

Conditions:
EFHC1-related disorder. Also called: EFHC1-related condition.
Absence seizure. Also called: Absence epilepsy. Identifiers: Orphanet 1941, MedGen C0014553.
Myoclonic epilepsy, juvenile, susceptibility to, 1. Also called: Myoclonic Epilepsy, Juvenile, 1; EJM1. Identifiers: MedGen C1850778, MONDO:0020752, OMIM 254770.

Allele frequency attached by ClinVar (database versions not stated): 1000 Genomes Project 0.00659; gnomAD 0.00727 and 0.00789; ESP Exome Variant Server 0.00823; ExAC 0.00235; 1000 Genomes Project 30x 0.00765; gnomAD exomes 0.00066 and 0.00194; TOPMed 0.00764.
gnomAD v4.1: 2,103 of 1,614,090 alleles (0.13%); highest among the groups gnomAD compares: African/African-American, 2.5%; 33 homozygotes.

Submissions (9):

Labcorp Genetics (formerly Invitae), Labcorp
Classification: Benign for Myoclonic epilepsy, juvenile, susceptibility to, 1; Absence seizure. Last evaluated: 2025-04-14. Review status: criteria provided, single submitter. Criteria: Invitae Variant Classification Sherloc (09022015). Collection method: clinical testing. Allele origin: germline.

Fulgent Genetics
Classification: Likely benign for Myoclonic epilepsy, juvenile, susceptibility to, 1; Epilepsy, juvenile absence, susceptibility to, 1. Last evaluated: 2022-04-22. Review status: criteria provided, single submitter. Criteria: ACMG Guidelines, 2015. Collection method: clinical testing. Allele origin: unknown.

Genetic Services Laboratory, University of Chicago
Classification: Likely benign. Last evaluated: 2020-06-23. Review status: criteria provided, single submitter. Criteria: ACMG Guidelines, 2015. Collection method: clinical testing. Allele origin: germline. Affected: no.

Athena Diagnostics
Classification: Benign. Last evaluated: 2017-09-30. Review status: criteria provided, single submitter. Criteria: Athena Diagnostics Criteria. Collection method: clinical testing. Allele origin: germline.

Center for Pediatric Genomic Medicine, Children's Mercy Hospital and Clinics
Classification: Likely benign. Last evaluated: 2016-12-02. Review status: criteria provided, single submitter. Criteria: ACMG Guidelines, 2015. Collection method: clinical testing. Allele origin: germline.
ClinVar note: Converted during submission from Likely Benign to Likely benign.

Eurofins Ntd Llc (ga)
Classification: Benign. Last evaluated: 2016-04-08. Review status: criteria provided, single submitter. Criteria: EGL Classification Definitions 2015. Collection method: clinical testing. Allele origin: germline. Observed: 1 variant allele, 1 heterozygote.

Breakthrough Genomics
Classification: Likely benign. Review status: criteria provided, single submitter. Criteria: ACMG Guidelines, 2015. Collection method: not provided. Allele origin: germline. Inheritance: Autosomal dominant inheritance. Affected: yes.

PreventionGenetics, part of Exact Sciences
Classification: Benign for EFHC1-related condition. Last evaluated: 2021-06-30. Review status: no assertion criteria provided. Collection method: clinical testing. Allele origin: germline. Not counted in ClinVar's aggregate classification.
Comment: This variant is classified as benign based on ACMG/AMP sequence variant interpretation guidelines (Richards et al. 2015 PMID: 25741868, with internal and published modifications).

GeneDx
No classification provided. Last evaluated: 2015-04-03. Review status: no classification provided. Criteria: GeneDx Variant Classification (06012015). Collection method: clinical testing. Allele origin: germline. Affected: yes. Not counted in ClinVar's aggregate classification.
Comment: p.Pro77Thr (CCT>ACT): c.229 C>A in exon 2 of the EFHC1 gene (NM_018100.3). P77T and R221H were identified on the same chromosome and co-segregated with juvenile myoclonic epilepsy (JME) in two families (Suzuki et al., 2004). Functional studies suggest that both P77T and R221H impair apoptosis and alter calcium currents (Suzuki et al., 2004). However, both P77T and R221H have subsequently been identified in 1-3% of the African population in the NHLBI ESP Exome Variant Project and the 1000 Genomes Database. P77T results in a nonconservative amino acid substitution, while the R221H substitution is a conservative change. Both of these missense substitutions alter positions in the protein that are not highly conserved throughout evolution or in related proteins, and multiple in silico models predict they are likely benign. Therefore, currently available evidence suggests that P77T and R221H may be associated with JME, although the possibility that they are benign variants cannot be completely excluded. The variant is found in CHILD-EPI,EPILEPSY,INFANT-EPI panel(s).

Literature cited by the submitters: PubMed 23527921 (cited by Athena Diagnostics); PubMed 25489633 (cited by Athena Diagnostics); PubMed 15258581 (cited by Athena Diagnostics); PubMed 16839746 (cited by Athena Diagnostics); PubMed 18823326 (cited by Athena Diagnostics); PubMed 22226147 (cited by Athena Diagnostics).